The following is an entry in ClinVar:

ClinVar aggregate classification (germline): Uncertain significance (1 of 4 stars; one submission).

Conditions:
Cardiovascular phenotype. Identifiers: MedGen CN230736.

Allele frequency attached by ClinVar (database versions not stated): gnomAD exomes below 0.00001; TOPMed below 0.00001; gnomAD 0.00001.

Submission:

Ambry Genetics
Classification: Uncertain significance for Cardiovascular phenotype. Last evaluated: 2021-10-05. Review status: criteria provided, single submitter. Criteria: Ambry Variant Classification Scheme 2023. Collection method: clinical testing. Allele origin: germline.
Comment: The c.1014+3_1014+4delAA intronic variant, located in intron 8 of the DSG2 gene, results from a deletion of two nucleotides within intron 8 of the DSG2 gene. This nucleotide region is well conserved in available vertebrate species. In silico splice site analysis predicts that this alteration will weaken the native splice donor site. Since supporting evidence is limited at this time, the clinical significance of this alteration remains unclear.

NM_001943.5(DSG2):c.1014+3_1014+4del

Gene: DSG2 (desmoglein 2; plus strand). Cytogenetic location: 18q12.1.
Variant type: Deletion.
Coding change: c.1014+3_1014+4del on transcript NM_001943.5 (MANE Select); bases 3 to 4 of the intron after coding-DNA position 1014, 2 bases deleted (AA; older notation c.1014+3_1014+4delAA).
Molecular consequence: intron variant.
Genome position (GRCh38, 1-based): chr18:31,524,891-31,524,892, AA deleted. VCF-style (leftmost placement, unchanged base first): chr18-31524890-TAA-T. GRCh37 (hg19) VCF-style: chr18-29104853-TAA-T.
Identifiers: ClinVar variation 1737510 (VCV001737510.2), dbSNP rs1453481938, ClinGen allele CA629453649.